The following is an entry in ClinVar:

NM_001145809.2(MYH14):c.4069G>A (p.Ala1357Thr)

Gene: MYH14 (myosin heavy chain 14; plus strand). Cytogenetic location: 19q13.33.
Variant type: single nucleotide variant.
Coding change: c.4069G>A on transcript NM_001145809.2 (MANE Select); coding-DNA position 4069, G replaced by A.
Protein change: p.Ala1357Thr; replaces alanine 1357 with threonine.
Molecular consequence: missense variant.
Genome position (GRCh38, 1-based): chr19:50,280,073, G>A. VCF-style: chr19-50280073-G-A. GRCh37 (hg19) VCF-style: chr19-50783330-G-A.
Other names: c.3970G>A, p.Ala1324Thr (NM_001077186.2); c.3946G>A, p.Ala1316Thr (NM_024729.4); short protein forms A1357T, A1316T, A1324T.
Identifiers: ClinVar variation 4703226 (VCV004703226.1).
Genomic context (GRCh38, chr19:50,280,073, plus strand): 5'-TTCATTCCCGTCCCTTCCCTGCAGGCTGAACTGGAGAATGTGTCTGGGGCGCTGAACGAG[G>A]CTGAGTCCAAAACCATCCGTCTTAGCAAGGAGCTGAGCAGCACAGAAGCCCAGCTGCACG-3'
Protein context (NP_001139281.1, residues 1347-1367): LENVSGALNE[Ala1357Thr]ESKTIRLSKE

ClinVar aggregate classification (germline): Uncertain significance (1 of 4 stars; one submission).

gnomAD v4.1: 3 of 1,610,768 alleles (0.00019%); highest among the groups gnomAD compares: Non-Finnish European, 0.00017%; no homozygotes.

Submission:

Labcorp Genetics (formerly Invitae), Labcorp
Classification: Uncertain significance. Last evaluated: 2025-08-04. Review status: criteria provided, single submitter. Criteria: Invitae Variant Classification Sherloc (09022015). Collection method: clinical testing. Allele origin: germline.
Comment: This sequence change replaces alanine, which is neutral and non-polar, with threonine, which is neutral and polar, at codon 1316 of the MYH14 protein (p.Ala1316Thr). The frequency data for this variant in the population databases is considered unreliable, as metrics indicate poor data quality at this position in the gnomAD database. This variant has not been reported in the literature in individuals affected with MYH14-related conditions. Invitae Evidence Modeling of protein sequence and biophysical properties (such as structural, functional, and spatial information, amino acid conservation, physicochemical variation, residue mobility, and thermodynamic stability) indicates that this missense variant is not expected to disrupt MYH14 protein function with a negative predictive value of 80%. In summary, the available evidence is currently insufficient to determine the role of this variant in disease. Therefore, it has been classified as a Variant of Uncertain Significance.